The following is an entry in ClinVar:

ClinVar aggregate classification (germline): Uncertain significance (1 of 4 stars; one submission).

Allele frequency attached by ClinVar (database versions not stated): gnomAD exomes below 0.00001.
gnomAD v4.1: 1 of 1,613,718 alleles (0.000062%); highest among the groups gnomAD compares: Non-Finnish European, 0.000085%; no homozygotes.

Submission:

Labcorp Genetics (formerly Invitae), Labcorp
Classification: Uncertain significance. Last evaluated: 2023-08-23. Review status: criteria provided, single submitter. Criteria: Invitae Variant Classification Sherloc (09022015). Collection method: clinical testing. Allele origin: germline.
Comment: This sequence change replaces glycine, which is neutral and non-polar, with glutamic acid, which is acidic and polar, at codon 1188 of the ERBIN protein (p.Gly1188Glu). This variant is not present in population databases (gnomAD no frequency). In summary, the available evidence is currently insufficient to determine the role of this variant in disease. Therefore, it has been classified as a Variant of Uncertain Significance. An algorithm developed to predict the effect of missense changes on protein structure and function (PolyPhen-2) suggests that this variant is likely to be disruptive. This variant has not been reported in the literature in individuals affected with ERBIN-related conditions.

NM_001253697.2(ERBIN):c.3563G>A (p.Gly1188Glu)

Gene: ERBIN (erbb2 interacting protein; plus strand). Cytogenetic location: 5q12.3.
Variant type: single nucleotide variant.
Coding change: c.3563G>A on transcript NM_001253697.2 (MANE Select); coding-DNA position 3563, G replaced by A.
Protein change: p.Gly1188Glu; replaces glycine 1188 with glutamic acid.
Molecular consequence: missense variant.
Genome position (GRCh38, 1-based): chr5:66,054,881, G>A. VCF-style: chr5-66054881-G-A. GRCh37 (hg19) VCF-style: chr5-65350709-G-A.
Other names: c.3563G>A, p.Gly1188Glu (NM_001006600.3, NM_001253698.2, NM_001253699.2 and 1 more transcripts); c.3551G>A, p.Gly1184Glu (NM_001253701.2); short protein forms G1188E, G1184E.
Identifiers: ClinVar variation 2754629 (VCV002754629.3), dbSNP rs2546817118, ClinGen allele CA359870100.
Genomic context (GRCh38, chr5:66,054,881, plus strand): 5'-GTCCTTCAAAAAGACCAAATGCAAGGGTTGGTTCTGAGCATTCTTTATTAGATCCTCCAG[G>A]AAAAAGTAAAGTTCCTCGTGACTGGAGAGAACAAGTACTTCGACATATTGAAGCCAAAAA-3'
Protein context (NP_001240626.1, residues 1178-1198): GSEHSLLDPP[Gly1188Glu]KSKVPRDWRE